The following is an entry in ClinVar:

NM_004525.3(LRP2):c.5466T>G (p.Pro1822=)

Gene: LRP2 (LDL receptor related protein 2; minus strand). Cytogenetic location: 2q31.1.
Variant type: single nucleotide variant.
Coding change: c.5466T>G on transcript NM_004525.3 (MANE Select); coding-DNA position 5466, T replaced by G.
Protein change: p.Pro1822=; no amino-acid change (proline 1822 retained).
Molecular consequence: synonymous variant.
Genome position (GRCh38, 1-based): chr2:169,225,382, A>C on the plus strand (T>G on the coding strand, the complement: LRP2 is on the minus strand). VCF-style: chr2-169225382-A-C. GRCh37 (hg19) VCF-style: chr2-170081892-A-C.
Other names: c.5466T>G (NM_004525.2).
Identifiers: ClinVar variation 1630037 (VCV001630037.10), dbSNP rs775020369, ClinGen allele CA1954526.

ClinVar aggregate classification (germline): Likely benign. Review status: criteria provided, single submitter (1 of 4 stars). 2 submissions from 2 submitters: Likely benign (1). 1 of the submissions does not count toward it. Last evaluated 2025-12-13.

Conditions:
LRP2-related disorder. Also called: LRP2-related condition.

Allele frequency attached by ClinVar (database versions not stated): TOPMed 0.00002.
gnomAD v4.1: 9 of 1,613,882 alleles (0.00056%); highest among the groups gnomAD compares: Admixed American, 0.012%; no homozygotes.

Submissions (2):

Labcorp Genetics (formerly Invitae), Labcorp
Classification: Likely benign. Last evaluated: 2025-12-13. Review status: criteria provided, single submitter. Criteria: Invitae Variant Classification Sherloc (09022015). Collection method: clinical testing. Allele origin: germline.

PreventionGenetics, part of Exact Sciences
Classification: Likely benign for LRP2-related condition. Last evaluated: 2022-04-19. Review status: no assertion criteria provided. Collection method: clinical testing. Allele origin: germline. Not counted in ClinVar's aggregate classification.
Comment: This variant is classified as likely benign based on ACMG/AMP sequence variant interpretation guidelines (Richards et al. 2015 PMID: 25741868, with internal and published modifications).